The following is an entry in ClinVar:

ClinVar aggregate classification (germline): Uncertain significance. Review status: criteria provided, multiple submitters, no conflicts (2 of 4 stars). 2 submissions from 2 submitters: Uncertain significance (2). Last evaluated 2024-06-13.

Conditions:
Arrhythmogenic right ventricular dysplasia 9 (ARVD9). Also called: Arrhythmogenic Right Ventricular Dysplasia/Cardiomyopathy 9; ARRHYTHMOGENIC RIGHT VENTRICULAR DYSPLASIA, FAMILIAL, 9. Identifiers: MedGen C1836906, MONDO:0012180, OMIM 609040.
Cardiomyopathy (CMYO). Also called: Cardiomyopathies. Identifiers: Orphanet 167848, MedGen C0878544, MONDO:0004994, HP:0001638. Inheritance: Various modes of inheritance.

Allele frequency attached by ClinVar (database versions not stated): gnomAD exomes below 0.00001; TOPMed 0.00002.

Submissions (2):

Labcorp Genetics (formerly Invitae), Labcorp
Classification: Uncertain significance for Arrhythmogenic right ventricular dysplasia 9. Last evaluated: 2024-06-13. Review status: criteria provided, single submitter. Criteria: Invitae Variant Classification Sherloc (09022015). Collection method: clinical testing. Allele origin: germline.
Comment: This variant, c.2229_2231dup, results in the insertion of 1 amino acid(s) of the PKP2 protein (p.Pro743_Ser744insArg), but otherwise preserves the integrity of the reading frame. This variant is not present in population databases (gnomAD no frequency). This variant has not been reported in the literature in individuals affected with PKP2-related conditions. ClinVar contains an entry for this variant (Variation ID: 925060). Experimental studies and prediction algorithms are not available or were not evaluated, and the functional significance of this variant is currently unknown. In summary, the available evidence is currently insufficient to determine the role of this variant in disease. Therefore, it has been classified as a Variant of Uncertain Significance.

Color Diagnostics, LLC DBA Color Health
Classification: Uncertain significance for Cardiomyopathy. Last evaluated: 2019-05-24. Review status: criteria provided, single submitter. Criteria: ACMG Guidelines, 2015. Collection method: clinical testing. Allele origin: germline.
Comment: This variant results in an in-frame insertion of a single amino acid between codons 743 and 744 of the PKP2 protein. To our knowledge, functional assays have not been performed for this variant. Computational splicing tools suggest that this variant may not impact RNA splicing. This variant has not been reported in individuals affected with cardiovascular disorders in the literature. This variant has not been identified in the general population by the Genome Aggregation Database (gnomAD). Available evidence is insufficient to determine the role of this variant in disease conclusively. Therefore, this variant is classified as a Variant of Uncertain Significance.

NM_001005242.3(PKP2):c.2097_2099dup (p.Pro699_Ser700insArg)

Gene: PKP2 (plakophilin 2; minus strand). Cytogenetic location: 12p11.21.
Variant type: Duplication.
Coding change: c.2097_2099dup on transcript NM_001005242.3 (MANE Select); coding-DNA positions 2097 to 2099, 3 bases duplicated (AAG; older notation c.2097_2099dupAAG).
Protein change: p.Pro699_Ser700insArg.
Molecular consequence: inframe insertion.
Genome position (GRCh38, 1-based): chr12:32,802,471-32,802,473, CTT duplicated on the plus strand (AAG on the coding strand, the reverse complement: PKP2 is on the minus strand). VCF-style (leftmost placement, unchanged base first): chr12-32802470-A-ACTT. GRCh37 (hg19) VCF-style: chr12-32955404-A-ACTT.
Other names: c.2229_2231dup, p.Pro743_Ser744insArg (NM_004572.4).
Identifiers: ClinVar variation 925060 (VCV000925060.7), dbSNP rs1324822103, ClinGen allele CA687437838.